The following is an entry in ClinVar:

ClinVar aggregate classification (germline): Uncertain significance (1 of 4 stars; one submission).

Conditions:
Cryopyrin associated periodic syndrome (CAPS). Identifiers: Orphanet 208650, MedGen C2316212, MONDO:0016168.

Submission:

Labcorp Genetics (formerly Invitae), Labcorp
Classification: Uncertain significance for Cryopyrin associated periodic syndrome. Last evaluated: 2018-12-11. Review status: criteria provided, single submitter. Criteria: Invitae Variant Classification Sherloc (09022015). Collection method: clinical testing. Allele origin: germline.
Comment: This sequence change replaces phenylalanine with tyrosine at codon 568 of the NLRP3 protein (p.Phe568Tyr). The phenylalanine residue is moderately conserved and there is a small physicochemical difference between phenylalanine and tyrosine. This variant is not present in population databases (ExAC no frequency). This variant has not been reported in the literature in individuals with NLRP3-related conditions. Algorithms developed to predict the effect of missense changes on protein structure and function are either unavailable or do not agree on the potential impact of this missense change (SIFT: "Tolerated"; PolyPhen-2: "Possibly Damaging"; Align-GVGD: "Class C0"). This variant disrupts the p.Phe568 amino acid residue in NLRP3. Other variant(s) that disrupt this residue (also known as p.Phe566) have been observed in individuals with NLRP3-related conditions (PMID: 25619352, 25584041, 24431285), which suggests that this may be a clinically significant amino acid residue. In summary, the available evidence is currently insufficient to determine the role of this variant in disease. Therefore, it has been classified as a Variant of Uncertain Significance.

Literature cited by the submitters: PubMed 25619352; PubMed 25584041; PubMed 24431285.

NM_001243133.2(NLRP3):c.1697T>A (p.Phe566Tyr)

Gene: NLRP3 (NLR family pyrin domain containing 3; plus strand). Cytogenetic location: 1q44.
Variant type: single nucleotide variant.
Coding change: c.1697T>A on transcript NM_001243133.2 (MANE Select); coding-DNA position 1697, T replaced by A.
Protein change: p.Phe566Tyr; replaces phenylalanine 566 with tyrosine.
Molecular consequence: missense variant.
Genome position (GRCh38, 1-based): chr1:247,425,146, T>A. VCF-style: chr1-247425146-T-A. GRCh37 (hg19) VCF-style: chr1-247588448-T-A.
Other names: c.1697T>A, p.Phe566Tyr (NM_001079821.3, NM_001127461.3, NM_001127462.3 and 1 more transcripts); c.1703T>A, p.Phe568Tyr (NM_004895.5); short protein forms F568Y, F566Y.
Identifiers: ClinVar variation 640233 (VCV000640233.1), dbSNP rs1572172789, ClinGen allele CA345557614.